The following is an entry in ClinVar:

ClinVar aggregate classification (germline): Conflicting classifications of pathogenicity. Review status: criteria provided, conflicting classifications (1 of 4 stars). 19 submissions from 19 submitters: Uncertain significance (1); Benign (8); Likely benign (7). 3 of the submissions do not count toward it. Last evaluated 2026-09-01.

Conditions:
Tuberous sclerosis 2 (TSC2). Identifiers: Orphanet 805, MedGen C1860707, MONDO:0013199, OMIM 613254.
Lymphangiomyomatosis (LAM). Also called: Lymphangioleiomyomatosis; Lymphangioleiomyomatosis, somatic. Identifiers: Orphanet 538, MedGen C0751674, MONDO:0011705, OMIM 606690.
Isolated focal cortical dysplasia type II (FCORD2). Also called: Focal cortical dysplasia type II; CORTICAL DYSPLASIA OF TAYLOR. Identifiers: Orphanet 268994, MedGen C1846385, MONDO:0011818, OMIM 607341, HP:0032051.
Hereditary cancer-predisposing syndrome. Also called: Neoplastic Syndromes, Hereditary; Tumor predisposition; Hereditary Cancer Syndrome; Hereditary neoplastic syndrome. Identifiers: Orphanet 140162, MedGen C0027672, MeSH D009386, MONDO:0015356.
Tuberous sclerosis syndrome (TSC). Also called: Tuberous Sclerosis Complex; Tuberous sclerosis. Identifiers: Orphanet 805, MedGen C0041341, MONDO:0001734.

Allele frequency attached by ClinVar (database versions not stated): 1000 Genomes Project 30x 0.00016; 1000 Genomes Project 0.00020; ESP Exome Variant Server 0.00031; gnomAD exomes 0.00062 and 0.00088; gnomAD 0.00072 and 0.00077; TOPMed 0.00078; ExAC 0.00079.
gnomAD v4.1: 1,051 of 1,611,610 alleles (0.065%); highest among the groups gnomAD compares: Non-Finnish European, 0.048%; 5 homozygotes.

Submissions (19):

CeGaT Center for Human Genetics Tuebingen
Classification: Likely benign. Last evaluated: 2026-09-01. Review status: criteria provided, single submitter. Criteria: CeGaT Center For Human Genetics Tuebingen Variant Classification Criteria Version 2. Collection method: clinical testing. Allele origin: germline. Affected: yes. Observed: 35 variant alleles.
Comment: TSC2: BP4, BS1

Labcorp Genetics (formerly Invitae), Labcorp
Classification: Benign for Tuberous sclerosis 2. Last evaluated: 2026-02-04. Review status: criteria provided, single submitter. Criteria: Invitae Variant Classification Sherloc (09022015). Collection method: clinical testing. Allele origin: germline.

Mayo Clinic Laboratories, Mayo Clinic
Classification: Likely benign. Last evaluated: 2025-11-28. Review status: criteria provided, single submitter. Criteria: ACMG Guidelines, 2015. Collection method: clinical testing. Allele origin: germline. Observed: 3 variant alleles.
Comment: BS1, BP4, BP7

Myriad Genetics, Inc.
Classification: Benign for Tuberous sclerosis 2. Last evaluated: 2025-06-05. Review status: criteria provided, single submitter. Criteria: Myriad Autosomal Dominant, Autosomal Recessive and X-Linked Classification Criteria (2023). Collection method: clinical testing. Allele origin: unknown.
Comment: This variant is considered benign. This variant is a silent/synonymous amino acid change and it is not expected to impact splicing.

Blueprint Genetics
Classification: Likely benign. Last evaluated: 2024-11-26. Review status: criteria provided, single submitter. Criteria: ACMG Guidelines, 2015. Collection method: clinical testing. Allele origin: germline.

Department of Pathology and Laboratory Medicine, Sinai Health System
Classification: Benign for Lymphangiomyomatosis; Isolated focal cortical dysplasia type II; Tuberous sclerosis 2. Last evaluated: 2024-07-30. Review status: criteria provided, single submitter. Criteria: ACMG Guidelines, 2015. Collection method: clinical testing. Allele origin: germline.

All of Us Research Program, National Institutes of Health
Classification: Benign for Tuberous sclerosis syndrome. Last evaluated: 2024-02-05. Review status: criteria provided, single submitter. Criteria: ACMG Guidelines, 2015. Collection method: clinical testing. Allele origin: germline. Inheritance: Autosomal dominant inheritance. Observed: 219 variant alleles, 216 heterozygotes, 3 homozygotes.
Comment: This study involves interpretation of variants in research participants for the purpose of population health screening. Participant phenotype was not available at the time of variant classification. Additional details can be found in publication PMID: 35346344, PMCID: PMC8962531

ARUP Laboratories, Molecular Genetics and Genomics, ARUP Laboratories
Classification: Likely benign. Last evaluated: 2023-08-17. Review status: criteria provided, single submitter. Criteria: ARUP Molecular Germline Variant Investigation Process 2024. Collection method: clinical testing. Allele origin: germline.

Color Diagnostics, LLC DBA Color Health
Classification: Benign for Tuberous sclerosis syndrome. Last evaluated: 2022-09-20. Review status: criteria provided, single submitter. Criteria: ACMG Guidelines, 2015. Collection method: clinical testing. Allele origin: germline.

Genome-Nilou Lab
Classification: Benign for Tuberous sclerosis 2. Last evaluated: 2021-11-07. Review status: criteria provided, single submitter. Criteria: ACMG Guidelines, 2015. Collection method: clinical testing. Allele origin: germline. Affected: no.

Illumina Laboratory Services, Illumina
Classification: Likely benign for Tuberous sclerosis syndrome. Last evaluated: 2018-01-13. Review status: criteria provided, single submitter. Criteria: ICSL Variant Classification Criteria 13 December 2019. Collection method: clinical testing. Allele origin: germline.
Comment: This variant was observed in the ICSL laboratory as part of a predisposition screen in an ostensibly healthy population. It had not been previously curated by ICSL or reported in the Human Gene Mutation Database (HGMD: prior to June 1st, 2018), and was therefore a candidate for classification through an automated scoring system. Utilizing variant allele frequency, disease prevalence and penetrance estimates, and inheritance mode, an automated score was calculated to assess if this variant is too frequent to cause the disease. Based on the score and internal cut-off values, a variant classified as likely benign is not then subjected to further curation. The score for this variant resulted in a classification of likely benign for this disease.

Athena Diagnostics
Classification: Benign for Tuberous sclerosis 2. Last evaluated: 2017-05-24. Review status: criteria provided, single submitter. Criteria: Athena Diagnostics Criteria. Collection method: clinical testing. Allele origin: germline.

Eurofins Ntd Llc (ga)
Classification: Likely benign. Last evaluated: 2016-11-17. Review status: criteria provided, single submitter. Criteria: EGL Classification Definitions 2015. Collection method: clinical testing. Allele origin: germline. Observed: 1 variant allele, 1 heterozygote.

Genetic Services Laboratory, University of Chicago
Classification: Uncertain significance. Last evaluated: 2015-08-19. Review status: criteria provided, single submitter. Criteria: ACMG Guidelines, 2015. Collection method: clinical testing. Allele origin: germline. Affected: no.

Ambry Genetics
Classification: Likely benign for Hereditary cancer-predisposing syndrome. Last evaluated: 2015-01-16. Review status: criteria provided, single submitter. Criteria: Ambry Variant Classification Scheme 2023. Collection method: clinical testing. Allele origin: germline.

GeneDx
Classification: Benign. Last evaluated: 2013-10-31. Review status: criteria provided, single submitter. Criteria: GeneDx Variant Classification (06012015). Collection method: clinical testing. Allele origin: germline. Affected: yes.
Comment: This variant is considered likely benign or benign based on one or more of the following criteria: it is a conservative change, it occurs at a poorly conserved position in the protein, it is predicted to be benign by multiple in silico algorithms, and/or has population frequency not consistent with disease.

Clinical Genetics, Academic Medical Center
Classification: Benign. Review status: no assertion criteria provided. Collection method: clinical testing. Allele origin: germline. Affected: yes. Study: VKGL Data-share Consensus. Not counted in ClinVar's aggregate classification.

Genome Diagnostics Laboratory, Amsterdam University Medical Center
Classification: Likely benign. Review status: no assertion criteria provided. Collection method: clinical testing. Allele origin: germline. Affected: yes. Study: VKGL Data-share Consensus. Not counted in ClinVar's aggregate classification.

Tuberous sclerosis database (TSC2)
No classification provided. Condition: TSC. Review status: no classification provided. Criteria: Tuberous Sclerosis Database Assertion Criteria 2015. Collection method: curation. Allele origin: germline. Affected: yes. Not counted in ClinVar's aggregate classification.

NM_000548.5(TSC2):c.4911G>A (p.Lys1637=)

Gene: TSC2 (TSC complex subunit 2; plus strand). Cytogenetic location: 16p13.3.
Variant type: single nucleotide variant.
Coding change: c.4911G>A on transcript NM_000548.5 (MANE Select); coding-DNA position 4911, G replaced by A.
Protein change: p.Lys1637=; no amino-acid change (lysine 1637 retained).
Molecular consequence: synonymous variant.
Genome position (GRCh38, 1-based): chr16:2,086,793, G>A. VCF-style: chr16-2086793-G-A. GRCh37 (hg19) VCF-style: chr16-2136794-G-A.
Other names: p.K1637K:AAG>AAA; p.Lys1637=; c.4710G>A, p.Lys1570= (NM_001077183.3); c.4842G>A, p.Lys1614= (NM_001114382.3); c.4602G>A, p.Lys1534= (NM_001318827.2); c.4566G>A, p.Lys1522= (NM_001318829.2); c.4179G>A, p.Lys1393= (NM_001318831.2); c.4743G>A, p.Lys1581= (NM_001318832.2); and 3 more.
Identifiers: ClinVar variation 49331 (VCV000049331.70), dbSNP rs35282988, ClinGen allele CA021233.
Genomic context (GRCh38, chr16:2,086,793, plus strand): 5'-CGTCTTCCACATCGCCACCCTGATGCCCACCAAGGACGTGGACAAGCACCGCTGCGACAA[G>A]AAGCGCCACCTGGGCAACGACTTTGTGTCCATTGTCTACAATGACTCCGGTGAGGACTTC-3'
Protein context (NP_000539.2, residues 1627-1647): TKDVDKHRCD[Lys1637=]KRHLGNDFVS